The following is an entry in ClinVar:

ClinVar aggregate classification (germline): Pathogenic (1 of 4 stars; one submission).

Submission:

Labcorp Genetics (formerly Invitae), Labcorp
Classification: Pathogenic. Last evaluated: 2023-09-29. Review status: criteria provided, single submitter. Criteria: Invitae Variant Classification Sherloc (09022015). Collection method: clinical testing. Allele origin: germline.
Comment: This sequence change creates a premature translational stop signal (p.Gln507*) in the CNGB3 gene. It is expected to result in an absent or disrupted protein product. Loss-of-function variants in CNGB3 are known to be pathogenic (PMID: 28795510). This variant is not present in population databases (gnomAD no frequency). This variant has not been reported in the literature in individuals affected with CNGB3-related conditions. Algorithms developed to predict the effect of sequence changes on RNA splicing suggest that this variant may disrupt the consensus splice site. For these reasons, this variant has been classified as Pathogenic.

Literature cited by the submitters: PubMed 28795510.

NM_019098.5(CNGB3):c.1519C>T (p.Gln507Ter)

Gene: CNGB3 (cyclic nucleotide gated channel subunit beta 3; minus strand). Cytogenetic location: 8q21.3.
Variant type: single nucleotide variant.
Coding change: c.1519C>T on transcript NM_019098.5 (MANE Select); coding-DNA position 1519, C replaced by T.
Protein change: p.Gln507Ter; replaces glutamine 507 with a stop codon.
Molecular consequence: nonsense.
Genome position (GRCh38, 1-based): chr8:86,626,042, G>A on the plus strand (C>T on the coding strand, the complement: CNGB3 is on the minus strand). VCF-style: chr8-86626042-G-A. GRCh37 (hg19) VCF-style: chr8-87638270-G-A.
Other names: short protein forms Q507*.
Identifiers: ClinVar variation 2764330 (VCV002764330.3), dbSNP rs2538079393, ClinGen allele CA371442117.